The following is an entry in ClinVar:

NM_198428.3(BBS9):c.801_803del (p.Phe269del)

Gene: BBS9 (Bardet-Biedl syndrome 9; plus strand). Cytogenetic location: 7p14.3.
Variant type: Deletion.
Coding change: c.801_803del on transcript NM_198428.3 (MANE Select); coding-DNA positions 801 to 803, 3 bases deleted (CTT; older notation c.801_803delCTT).
Protein change: p.Phe269del; deletes phenylalanine 269.
Molecular consequence: inframe deletion. On other transcripts: non-coding transcript variant (3).
Genome position (GRCh38, 1-based): chr7:33,273,110-33,273,112, CTT deleted. VCF-style (leftmost placement, unchanged base first): chr7-33273109-ACTT-A. GRCh37 (hg19) VCF-style: chr7-33312721-ACTT-A.
Other names: c.801_803del, p.Phe269del (NM_001033604.2, NM_001033605.2, NM_001348036.1 and 5 more transcripts); c.435_437del, p.Phe147del (NM_001348037.3, NM_001348044.3, NM_001348045.3 and 1 more transcripts); c.528_530del, p.Phe178del (NM_001348038.3, NM_001348039.3); c.666_668del, p.Phe224del (NM_001348042.3); short protein forms F269del, F147del, F224del, F178del.
Identifiers: ClinVar variation 281885 (VCV000281885.12), dbSNP rs780367770, ClinGen allele CA4214113.
Genomic context (GRCh38, chr7:33,273,109, plus strand): 5'-ACATATGTATTGTCTCTTTCAATCAGTCGGCATCCTCTGTTTTTGTTCTTGGTGAGAGAA[ACTT>A]TTTTTGCCTTAAGGATAATGGACAAATTCGATTCATGAAGAAGCTTGATTGGAGCCCAAG-3'

ClinVar aggregate classification (germline): Conflicting classifications of pathogenicity. Review status: criteria provided, conflicting classifications (1 of 4 stars). 4 submissions from 4 submitters: Pathogenic (1); Uncertain significance (3). Last evaluated 2024-03-12.

Conditions:
Bardet-Biedl syndrome (BBS). Identifiers: Orphanet 110, MedGen C0752166, MONDO:0015229.
Bardet-Biedl syndrome 9 (BBS9). Identifiers: Orphanet 110, MedGen C1859567, MONDO:0014437, OMIM 615986.

Allele frequency attached by ClinVar (database versions not stated): gnomAD exomes below 0.00001; ExAC 0.00001.

Submissions (4):

3billion
Classification: Uncertain significance for Bardet-Biedl syndrome 9. Last evaluated: 2024-03-12. Review status: criteria provided, single submitter. Criteria: ACMG Guidelines, 2015. Collection method: clinical testing. Allele origin: germline. Affected: yes.
Comment: The variant is observed at an extremely low frequency in the gnomAD v2.1.1 dataset (total allele frequency: <0.001%). Predicted Consequence/Location: Inframe deletion located in a nonrepeat region: predicted to change the length of the protein and disrupt normal protein function. Therefore, this variant is classified as VUS according to the recommendation of ACMG/AMP guideline.

Labcorp Genetics (formerly Invitae), Labcorp
Classification: Pathogenic for Bardet-Biedl syndrome. Last evaluated: 2023-11-06. Review status: criteria provided, single submitter. Criteria: Invitae Variant Classification Sherloc (09022015). Collection method: clinical testing. Allele origin: germline.
Comment: This variant, c.801_803del, results in the deletion of 1 amino acid(s) of the BBS9 protein (p.Phe269del), but otherwise preserves the integrity of the reading frame. This variant is present in population databases (rs780367770, gnomAD 0.003%). This variant has been observed in individual(s) with clinical features of Bardet-Biedl syndrome (Invitae). In at least one individual the data is consistent with being in trans (on the opposite chromosome) from a pathogenic variant. ClinVar contains an entry for this variant (Variation ID: 281885). Experimental studies and prediction algorithms are not available or were not evaluated, and the functional significance of this variant is currently unknown. For these reasons, this variant has been classified as Pathogenic.

Blueprint Genetics
Classification: Uncertain significance. Last evaluated: 2018-07-17. Review status: criteria provided, single submitter. Criteria: ACMG Guidelines, 2015. Collection method: clinical testing. Allele origin: germline.

Eurofins Ntd Llc (ga)
Classification: Uncertain significance. Last evaluated: 2015-07-14. Review status: criteria provided, single submitter. Criteria: EGL Classification Definitions 2015. Collection method: clinical testing. Allele origin: germline. Observed: 1 variant allele, 1 heterozygote.